The following is an entry in ClinVar:

ClinVar aggregate classification (germline): Uncertain significance. Review status: criteria provided, multiple submitters, no conflicts (2 of 4 stars). 3 submissions from 3 submitters: Uncertain significance (3). Last evaluated 2024-02-22.

Conditions:
Developmental and epileptic encephalopathy, 9 (DEE9). Also called: Early infantile epileptic encephalopathy 9; JUBERG-HELLMAN SYNDROME; PCDH19-Related X-Linked Female-Limited Epilepsy with Mental Retardation; EPILEPSY, FEMALE-RESTRICTED, WITH MENTAL RETARDATION. Identifiers: Orphanet 101039, Orphanet 2076, MedGen C1848137, MONDO:0010246, OMIM 300088. Disease mechanism: loss of function.
Inborn genetic diseases. Identifiers: MedGen C0950123, MeSH D030342.

Allele frequency attached by ClinVar (database versions not stated): gnomAD 0.00001 and 0.00002; gnomAD exomes 0.00001; TOPMed 0.00002.
gnomAD v4.1: 5 of 1,210,124 alleles (0.00041%); highest among the groups gnomAD compares: Non-Finnish European, 0.00056%; no homozygotes.

Submissions (3):

Labcorp Genetics (formerly Invitae), Labcorp
Classification: Uncertain significance for Developmental and epileptic encephalopathy, 9. Last evaluated: 2024-02-22. Review status: criteria provided, single submitter. Criteria: Invitae Variant Classification Sherloc (09022015). Collection method: clinical testing. Allele origin: germline.
Comment: This sequence change replaces serine, which is neutral and polar, with asparagine, which is neutral and polar, at codon 160 of the PCDH19 protein (p.Ser160Asn). This variant is present in population databases (rs794726899, gnomAD 0.001%). This variant has not been reported in the literature in individuals affected with PCDH19-related conditions. ClinVar contains an entry for this variant (Variation ID: 193195). Advanced modeling of protein sequence and biophysical properties (such as structural, functional, and spatial information, amino acid conservation, physicochemical variation, residue mobility, and thermodynamic stability) performed at Invitae indicates that this missense variant is not expected to disrupt PCDH19 protein function with a negative predictive value of 95%. In summary, the available evidence is currently insufficient to determine the role of this variant in disease. Therefore, it has been classified as a Variant of Uncertain Significance.

Ambry Genetics
Classification: Uncertain significance for Inborn genetic diseases. Last evaluated: 2021-10-29. Review status: criteria provided, single submitter. Criteria: Ambry Variant Classification Scheme 2023. Collection method: clinical testing. Allele origin: germline.

Eurofins Ntd Llc (ga)
Classification: Uncertain significance. Last evaluated: 2014-06-10. Review status: criteria provided, single submitter. Criteria: EGL Classification Definitions 2015. Collection method: clinical testing. Allele origin: germline. Observed: 1 variant allele, 1 heterozygote.

NM_001184880.2(PCDH19):c.479G>A (p.Ser160Asn)

Gene: PCDH19 (protocadherin 19; minus strand). Cytogenetic location: Xq22.1.
Variant type: single nucleotide variant.
Coding change: c.479G>A on transcript NM_001184880.2 (MANE Select); coding-DNA position 479, G replaced by A.
Protein change: p.Ser160Asn; replaces serine 160 with asparagine.
Molecular consequence: missense variant.
Genome position (GRCh38, 1-based): chrX:100,408,119, C>T on the plus strand (G>A on the coding strand, the complement: PCDH19 is on the minus strand). VCF-style: chrX-100408119-C-T. GRCh37 (hg19) VCF-style: chrX-99663117-C-T.
Other names: c.479G>A, p.Ser160Asn (NM_001105243.2, NM_020766.3); c.479G>A (NM_001184880.1); short protein forms S160N.
Identifiers: ClinVar variation 193195 (VCV000193195.12), dbSNP rs794726899, ClinGen allele CA238708.